The following is an entry in ClinVar:

NM_004369.4(COL6A3):c.8385C>T (p.Phe2795=)

Gene: COL6A3 (collagen type VI alpha 3 chain; minus strand). Cytogenetic location: 2q37.3.
Variant type: single nucleotide variant.
Coding change: c.8385C>T on transcript NM_004369.4 (MANE Select); coding-DNA position 8385, C replaced by T.
Protein change: p.Phe2795=; no amino-acid change (phenylalanine 2795 retained).
Molecular consequence: synonymous variant.
Genome position (GRCh38, 1-based): chr2:237,340,531, G>A on the plus strand (C>T on the coding strand, the complement: COL6A3 is on the minus strand). VCF-style: chr2-237340531-G-A. GRCh37 (hg19) VCF-style: chr2-238249174-G-A.
Other names: c.6564C>T, p.Phe2188= (NM_057166.5); c.7767C>T, p.Phe2589= (NM_057167.4).
Identifiers: ClinVar variation 335099 (VCV000335099.8), dbSNP rs201460305, ClinGen allele CA2187564.

ClinVar aggregate classification (germline): Benign/Likely benign. Review status: criteria provided, multiple submitters, no conflicts (2 of 4 stars). 2 submissions from 2 submitters: Benign (1); Likely benign (1). Last evaluated 2025-05-18.

Conditions:
Collagen 6-related myopathy. Identifiers: MedGen CN117976, MONDO:0100225.
Bethlem myopathy 1A. Also called: Bethlem Muscular Dystrophy; MYOPATHY, BENIGN CONGENITAL, WITH CONTRACTURES; Bethlem myopathy 1. Identifiers: Orphanet 610, MedGen CN029274, MONDO:0024530, OMIM 158810.

Allele frequency attached by ClinVar (database versions not stated): gnomAD 0.00001 and 0.00005; TOPMed 0.00002; gnomAD exomes 0.00008 and 0.00012; ExAC 0.00010; 1000 Genomes Project 30x 0.00016; 1000 Genomes Project 0.00020.

Submissions (2):

Labcorp Genetics (formerly Invitae), Labcorp
Classification: Likely benign for Bethlem myopathy 1A. Last evaluated: 2025-05-18. Review status: criteria provided, single submitter. Criteria: Invitae Variant Classification Sherloc (09022015). Collection method: clinical testing. Allele origin: germline.

Illumina Laboratory Services, Illumina
Classification: Benign for Collagen VI-related myopathy. Last evaluated: 2018-01-12. Review status: criteria provided, single submitter. Criteria: ICSL Variant Classification Criteria 13 December 2019. Collection method: clinical testing. Allele origin: germline.
Comment: This variant was observed in the ICSL laboratory as part of a predisposition screen in an ostensibly healthy population. It had not been previously curated by ICSL or reported in the Human Gene Mutation Database (HGMD: prior to June 1st, 2018), and was therefore a candidate for classification through an automated scoring system. Utilizing variant allele frequency, disease prevalence and penetrance estimates, and inheritance mode, an automated score was calculated to assess if this variant is too frequent to cause the disease. Based on the score and internal cut-off values, a variant classified as benign is not then subjected to further curation. The score for this variant resulted in a classification of benign for this disease.